The following is an entry in ClinVar:

ClinVar aggregate classification (germline): Uncertain significance (1 of 4 stars; one submission).

Conditions:
Fanconi anemia (FA). Also called: Fanconi's anemia. Identifiers: Orphanet 84, MedGen C0015625, MeSH D005199, MONDO:0019391.

Submission:

Labcorp Genetics (formerly Invitae), Labcorp
Classification: Uncertain significance for Fanconi anemia. Last evaluated: 2024-08-05. Review status: criteria provided, single submitter. Criteria: Invitae Variant Classification Sherloc (09022015). Collection method: clinical testing. Allele origin: germline.
Comment: This sequence change replaces aspartic acid, which is acidic and polar, with tyrosine, which is neutral and polar, at codon 864 of the FANCM protein (p.Asp864Tyr). This variant is not present in population databases (gnomAD no frequency). This variant has not been reported in the literature in individuals affected with FANCM-related conditions. An algorithm developed to predict the effect of missense changes on protein structure and function (PolyPhen-2) suggests that this variant is likely to be tolerated. In summary, the available evidence is currently insufficient to determine the role of this variant in disease. Therefore, it has been classified as a Variant of Uncertain Significance.

NM_020937.4(FANCM):c.2590G>T (p.Asp864Tyr)

Gene: FANCM (FA complementation group M; plus strand). Cytogenetic location: 14q21.2.
Variant type: single nucleotide variant.
Coding change: c.2590G>T on transcript NM_020937.4 (MANE Select); coding-DNA position 2590, G replaced by T.
Protein change: p.Asp864Tyr; replaces aspartic acid 864 with tyrosine.
Molecular consequence: missense variant.
Genome position (GRCh38, 1-based): chr14:45,175,344, G>T. VCF-style: chr14-45175344-G-T. GRCh37 (hg19) VCF-style: chr14-45644547-G-T.
Other names: c.2512G>T, p.Asp838Tyr (NM_001308133.2); short protein forms D838Y, D864Y.
Identifiers: ClinVar variation 3622937 (VCV003622937.2).
Genomic context (GRCh38, chr14:45,175,344, plus strand): 5'-CATATCAAACCTACTAAAATTGTTTCTTTAAAGAAAAAAGTGTCTAAAGAAATAAAAAAA[G>T]ATCAGCTTAAAAAAGAAAATAATCACGGTATTATAGATTCTGTAGATAATGACAGAAATT-3'
Protein context (NP_065988.1, residues 854-874): KKKVSKEIKK[Asp864Tyr]QLKKENNHGI